The following is an entry in ClinVar:

NM_013444.4(UBQLN2):c.1274A>G (p.Gln425Arg)

Gene: UBQLN2 (ubiquilin 2; plus strand). Cytogenetic location: Xp11.21.
Variant type: single nucleotide variant.
Coding change: c.1274A>G on transcript NM_013444.4 (MANE Select); coding-DNA position 1274, A replaced by G.
Protein change: p.Gln425Arg; replaces glutamine 425 with arginine.
Molecular consequence: missense variant.
Genome position (GRCh38, 1-based): chrX:56,565,147, A>G. VCF-style: chrX-56565147-A-G. GRCh37 (hg19) VCF-style: chrX-56591580-A-G.
Other names: short protein forms Q425R.
Identifiers: ClinVar variation 872367 (VCV000872367.42), dbSNP rs1243726473, ClinGen allele CA413380224.

ClinVar aggregate classification (germline): Uncertain significance. Review status: criteria provided, multiple submitters, no conflicts (2 of 4 stars). 2 submissions from 2 submitters: Uncertain significance (2). Last evaluated 2024-07-01.

Conditions:
Amyotrophic lateral sclerosis type 15. Also called: AMYOTROPHIC LATERAL SCLEROSIS 15 WITH FRONTOTEMPORAL DEMENTIA. Identifiers: Orphanet 803, MedGen C3275459, MONDO:0010459, OMIM 300857.

Allele frequency attached by ClinVar (database versions not stated): gnomAD exomes 0.00001; TOPMed 0.00002.

Submissions (2):

CeGaT Center for Human Genetics Tuebingen
Classification: Uncertain significance. Last evaluated: 2024-07-01. Review status: criteria provided, single submitter. Criteria: CeGaT Center For Human Genetics Tuebingen Variant Classification Criteria Version 2. Collection method: clinical testing. Allele origin: germline. Affected: yes. Observed: 2 variant alleles.
Comment: UBQLN2: PS4:Moderate, PM2:Supporting

Labcorp Genetics (formerly Invitae), Labcorp
Classification: Uncertain significance for Amyotrophic lateral sclerosis type 15. Last evaluated: 2022-11-04. Review status: criteria provided, single submitter. Criteria: Invitae Variant Classification Sherloc (09022015). Collection method: clinical testing. Allele origin: germline.
Comment: In summary, the available evidence is currently insufficient to determine the role of this variant in disease. Therefore, it has been classified as a Variant of Uncertain Significance. Algorithms developed to predict the effect of missense changes on protein structure and function are either unavailable or do not agree on the potential impact of this missense change (SIFT: "Not Available"; PolyPhen-2: "Possibly Damaging"; Align-GVGD: "Not Available"). ClinVar contains an entry for this variant (Variation ID: 872367). This missense change has been observed in individual(s) with amyotrophic lateral sclerosis (PMID: 22892309). This variant is present in population databases (no rsID available, gnomAD 0.003%). This sequence change replaces glutamine, which is neutral and polar, with arginine, which is basic and polar, at codon 425 of the UBQLN2 protein (p.Gln425Arg).

Literature cited by the submitters: PubMed 22892309 (cited by Labcorp Genetics (formerly Invitae), Labcorp).